The following is an entry in ClinVar:

NM_001793.6(CDH3):c.2200G>A (p.Val734Met)

Gene: CDH3 (cadherin 3; plus strand). Cytogenetic location: 16q22.1.
Variant type: single nucleotide variant.
Coding change: c.2200G>A on transcript NM_001793.6 (MANE Select); coding-DNA position 2200, G replaced by A.
Protein change: p.Val734Met; replaces valine 734 with methionine.
Molecular consequence: missense variant.
Genome position (GRCh38, 1-based): chr16:68,695,843, G>A. VCF-style: chr16-68695843-G-A. GRCh37 (hg19) VCF-style: chr16-68729746-G-A.
Other names: c.2200G>A, p.Val734Met (NM_001317195.3); c.2035G>A, p.Val679Met (NM_001317196.2); short protein forms V679M, V734M.
Identifiers: ClinVar variation 812257 (VCV000812257.3), dbSNP rs775541873, ClinGen allele CA8129616.

ClinVar aggregate classification (germline): Uncertain significance. Review status: criteria provided, single submitter (1 of 4 stars). 2 submissions from 2 submitters: Uncertain significance (1). 1 of the submissions does not count toward it. Last evaluated 2022-06-04.

Conditions:
Retinitis pigmentosa (RP). Identifiers: Orphanet 791, MedGen C0035334, MeSH D012174, MONDO:0019200, OMIM 268000. Inheritance: Autosomal dominant, autosomal recessive and X linked inheritance.

Allele frequency attached by ClinVar (database versions not stated): gnomAD 0.00001 and 0.00003; TOPMed 0.00002.
gnomAD v4.1: 19 of 1,613,932 alleles (0.0012%); highest among the groups gnomAD compares: Middle Eastern, 0.066%; 1 homozygote.

Submissions (2):

Labcorp Genetics (formerly Invitae), Labcorp
Classification: Uncertain significance. Last evaluated: 2022-06-04. Review status: criteria provided, single submitter. Criteria: Invitae Variant Classification Sherloc (09022015). Collection method: clinical testing. Allele origin: germline.
Comment: This sequence change replaces valine, which is neutral and non-polar, with methionine, which is neutral and non-polar, at codon 734 of the CDH3 protein (p.Val734Met). This variant is present in population databases (rs775541873, gnomAD 0.003%). This missense change has been observed in individual(s) with autosomal recessive retinitis pigmentosa (PMID: 26306921). It has also been observed to segregate with disease in related individuals. ClinVar contains an entry for this variant (Variation ID: 812257). Algorithms developed to predict the effect of missense changes on protein structure and function are either unavailable or do not agree on the potential impact of this missense change (SIFT: "Not Available"; PolyPhen-2: "Probably Damaging"; Align-GVGD: "Not Available"). In summary, the available evidence is currently insufficient to determine the role of this variant in disease. Therefore, it has been classified as a Variant of Uncertain Significance.

Sharon lab, Hadassah-Hebrew University Medical Center
Classification: Likely pathogenic for Retinitis pigmentosa. Last evaluated: 2019-06-23. Review status: no assertion criteria provided. Collection method: research. Allele origin: inherited. Affected: yes. Not counted in ClinVar's aggregate classification.

Literature cited by the submitters: PubMed 26306921 (cited by Labcorp Genetics (formerly Invitae), Labcorp).